The following is an entry in ClinVar:

ClinVar aggregate classification (germline): Likely pathogenic (1 of 4 stars; one submission).

Conditions:
Hereditary spherocytosis type 2. Also called: SPHEROCYTOSIS, TYPE 2, AUTOSOMAL DOMINANT. Identifiers: Orphanet 822, MedGen C2674219, MONDO:0000913, OMIM 616649.

Submission:

Victorian Clinical Genetics Services, Murdoch Childrens Research Institute
Classification: Likely pathogenic for Hereditary spherocytosis type 2. Last evaluated: 2018-10-01. Review status: criteria provided, single submitter. Criteria: ACMG Guidelines, 2015. Collection method: clinical testing. Allele origin: inherited. Affected: yes. Observed: 3 variant alleles. Clinical features observed: Hypoglycemia (HP:0001943), Increased serum lactate (HP:0002151), Hepatosplenomegaly (HP:0001433), Abnormality of coagulation (HP:0001928), Hyperbilirubinemia (HP:0002904), Anemia (HP:0001903), Elevated hepatic transaminases (HP:0002910).
Comment: A homozygous missense variant, NM_001024858.3(SPTB):c.6119C>T, has been identified in exon 29 of 35 of the SPTB gene. The variant is predicted to result in a moderate amino acid change from threonine to isoleucine at position 2040 of the protein, NP_001020029.1(SPTB):p.(Thr2040Ile). The threonine residue at this position has moderate conservation (100 vertebrates, UCSC), and is located within the Spectrin repeat region where all other pathogenic missense variants have been reported. In silico predictions for this variant are consistently pathogenic (Polyphen, SIFT, CADD, Mutation Taster), the variant is absent in population databases (gnomAD, dbSNP, 1000G) and has not been previously reported in clinical cases. However, eosin-5-maleimide studies are supportive of a spectrin defect. Based on the information available at the time of curation, this variant has been classified as LIKELY PATHOGENIC. NB: This variant has been reclassified as LIKELY PATHOGENIC due to subsequent functional analysis.

NM_001355436.2(SPTB):c.6119C>T (p.Thr2040Ile)

Gene: SPTB (spectrin beta, erythrocytic; minus strand). Cytogenetic location: 14q23.3.
Variant type: single nucleotide variant.
Coding change: c.6119C>T on transcript NM_001355436.2 (MANE Select); coding-DNA position 6119, C replaced by T.
Protein change: p.Thr2040Ile; replaces threonine 2040 with isoleucine.
Molecular consequence: missense variant.
Genome position (GRCh38, 1-based): chr14:64,767,763, G>A on the plus strand (C>T on the coding strand, the complement: SPTB is on the minus strand). VCF-style: chr14-64767763-G-A. GRCh37 (hg19) VCF-style: chr14-65234481-G-A.
Other names: c.6119C>T, p.Thr2040Ile (NM_001024858.4, NM_001355437.2); short protein forms T2040I.
Identifiers: ClinVar variation 870421 (VCV000870421.2), dbSNP rs1345709572, ClinGen allele CA390039382.
Genomic context (GRCh38, chr14:64,767,763, plus strand): 5'-CTGGCCGTGGACTTCTCAAAAGCCTCATGCCTCTTGATGAGCTTCTCCACACTGTCCACT[G>A]TGTGTCCAAAGTCCCCGCTGGCCAGGTAGGGCTCCTGGGCAATCAGCCACGCCTCAGCCA-3'
Protein context (NP_001342365.1, residues 2030-2050): PYLASGDFGH[Thr2040Ile]VDSVEKLIKR